The following is an entry in ClinVar:

NM_001083961.2(WDR62):c.1225A>G (p.Asn409Asp)

Gene: WDR62 (WD repeat domain 62; plus strand). Cytogenetic location: 19q13.12.
Variant type: single nucleotide variant.
Coding change: c.1225A>G on transcript NM_001083961.2 (MANE Select); coding-DNA position 1225, A replaced by G.
Protein change: p.Asn409Asp; replaces asparagine 409 with aspartic acid.
Molecular consequence: missense variant.
Genome position (GRCh38, 1-based): chr19:36,073,523, A>G. VCF-style: chr19-36073523-A-G. GRCh37 (hg19) VCF-style: chr19-36564425-A-G.
Other names: c.1225A>G, p.Asn409Asp (NM_173636.5); short protein forms N409D.
Identifiers: ClinVar variation 160244 (VCV000160244.49), dbSNP rs146180912, ClinGen allele CA173889.

ClinVar aggregate classification (germline): Benign/Likely benign. Review status: criteria provided, multiple submitters, no conflicts (2 of 4 stars). 11 submissions from 11 submitters: Benign (5); Likely benign (5). 1 of the submissions does not count toward it. Last evaluated 2026-07-01.

Conditions:
WDR62-related disorder. Also called: WDR62-related condition.
Microcephaly 2, primary, autosomal recessive, with or without cortical malformations. Also called: MICROCEPHALY 2, PRIMARY, AUTOSOMAL RECESSIVE, WITH CORTICAL MALFORMATIONS; WDR62 Primary Microcephaly. Identifiers: Orphanet 2512, MedGen C1858535, MONDO:0011435, OMIM 604317.

Allele frequency attached by ClinVar (database versions not stated): gnomAD exomes 0.00039 and 0.00110; ExAC 0.00128; ESP Exome Variant Server 0.00361; gnomAD 0.00403 and 0.00414; TOPMed 0.00455; 1000 Genomes Project 30x 0.00515; 1000 Genomes Project 0.00519.

Submissions (11):

CeGaT Center for Human Genetics Tuebingen
Classification: Likely benign. Last evaluated: 2026-07-01. Review status: criteria provided, single submitter. Criteria: CeGaT Center For Human Genetics Tuebingen Variant Classification Criteria Version 2. Collection method: clinical testing. Allele origin: germline. Affected: yes. Observed: 4 variant alleles.
Comment: WDR62: BS1

Labcorp Genetics (formerly Invitae), Labcorp
Classification: Benign. Last evaluated: 2026-01-26. Review status: criteria provided, single submitter. Criteria: Invitae Variant Classification Sherloc (09022015). Collection method: clinical testing. Allele origin: germline.

Blueprint Genetics
Classification: Likely benign. Last evaluated: 2024-10-18. Review status: criteria provided, single submitter. Criteria: ACMG Guidelines, 2015. Collection method: clinical testing. Allele origin: germline.

Genome-Nilou Lab
Classification: Benign for Microcephaly 2, primary, autosomal recessive, with or without cortical malformations. Last evaluated: 2021-12-05. Review status: criteria provided, single submitter. Criteria: ACMG Guidelines, 2015. Collection method: clinical testing. Allele origin: germline. Affected: no.

Genetic Services Laboratory, University of Chicago
Classification: Benign. Last evaluated: 2020-09-16. Review status: criteria provided, single submitter. Criteria: ACMG Guidelines, 2015. Collection method: clinical testing. Allele origin: germline. Affected: no.

GeneDx
Classification: Benign. Last evaluated: 2018-12-17. Review status: criteria provided, single submitter. Criteria: GeneDx Variant Classification Process June 2021. Collection method: clinical testing. Allele origin: germline. Affected: yes.

Fulgent Genetics
Classification: Likely benign for Microcephaly 2, primary, autosomal recessive, with or without cortical malformations. Last evaluated: 2018-10-31. Review status: criteria provided, single submitter. Criteria: ACMG Guidelines, 2015. Collection method: clinical testing. Allele origin: unknown.

Illumina Laboratory Services, Illumina
Classification: Benign for Microcephaly 2, primary, autosomal recessive, with or without cortical malformations. Last evaluated: 2018-01-13. Review status: criteria provided, single submitter. Criteria: ICSL Variant Classification Criteria 13 December 2019. Collection method: clinical testing. Allele origin: germline.
Comment: This variant was observed in the ICSL laboratory as part of a predisposition screen in an ostensibly healthy population. It had not been previously curated by ICSL or reported in the Human Gene Mutation Database (HGMD: prior to June 1st, 2018), and was therefore a candidate for classification through an automated scoring system. Utilizing variant allele frequency, disease prevalence and penetrance estimates, and inheritance mode, an automated score was calculated to assess if this variant is too frequent to cause the disease. Based on the score and internal cut-off values, a variant classified as benign is not then subjected to further curation. The score for this variant resulted in a classification of benign for this disease.

Center for Pediatric Genomic Medicine, Children's Mercy Hospital and Clinics
Classification: Likely benign. Last evaluated: 2016-12-02. Review status: criteria provided, single submitter. Criteria: ACMG Guidelines, 2015. Collection method: clinical testing. Allele origin: germline.
ClinVar note: Converted during submission from Likely Benign to Likely benign.

Breakthrough Genomics
Classification: Likely benign. Review status: criteria provided, single submitter. Criteria: ACMG Guidelines, 2015. Collection method: not provided. Allele origin: germline. Inheritance: Autosomal recessive inheritance. Affected: yes.

PreventionGenetics, part of Exact Sciences
Classification: Benign for WDR62-related condition. Last evaluated: 2019-10-15. Review status: no assertion criteria provided. Collection method: clinical testing. Allele origin: germline. Not counted in ClinVar's aggregate classification.
Comment: This variant is classified as benign based on ACMG/AMP sequence variant interpretation guidelines (Richards et al. 2015 PMID: 25741868, with internal and published modifications).